The following is an entry in ClinVar:

ClinVar aggregate classification (germline): Uncertain significance. Review status: criteria provided, multiple submitters, no conflicts (2 of 4 stars). 2 submissions from 2 submitters: Uncertain significance (2). Last evaluated 2025-10-02.

Conditions:
PLXNA1-related disorder. Also called: PLXNA1-related condition.

Allele frequency attached by ClinVar (database versions not stated): gnomAD 0.00001; gnomAD exomes 0.00001; TOPMed 0.00002; ExAC 0.00005; ESP Exome Variant Server 0.00008.
gnomAD v4.1: 14 of 1,608,424 alleles (0.00087%); highest among the groups gnomAD compares: Admixed American, 0.0034%; no homozygotes.

Submissions (2):

Ambry Genetics
Classification: Uncertain significance. Last evaluated: 2025-10-02. Review status: criteria provided, single submitter. Criteria: Ambry Variant Classification Scheme 2023. Collection method: clinical testing. Allele origin: germline.

PreventionGenetics, part of Exact Sciences
Classification: Uncertain significance for PLXNA1-related condition. Last evaluated: 2025-09-16. Review status: criteria provided, single submitter. Criteria: ACMG Guidelines, 2015. Collection method: clinical testing. Allele origin: germline.
Comment: The PLXNA1 c.1882A>G variant is predicted to result in the amino acid substitution p.Ile628Val. To our knowledge, this variant has not been reported in the literature. This variant is reported in 0.0038% of alleles in individuals of European (Non-Finnish) descent in gnomAD. At this time, the clinical significance of this variant is uncertain due to the absence of conclusive functional and genetic evidence.

NM_032242.4(PLXNA1):c.1882A>G (p.Ile628Val)

Gene: PLXNA1 (plexin A1; plus strand). Cytogenetic location: 3q21.3.
Variant type: single nucleotide variant.
Coding change: c.1882A>G on transcript NM_032242.4 (MANE Select); coding-DNA position 1882, A replaced by G.
Protein change: p.Ile628Val; replaces isoleucine 628 with valine.
Molecular consequence: missense variant.
Genome position (GRCh38, 1-based): chr3:127,005,228, A>G. VCF-style: chr3-127005228-A-G. GRCh37 (hg19) VCF-style: chr3-126724071-A-G.
Other names: short protein forms I628V.
Identifiers: ClinVar variation 3029751 (VCV003029751.4), dbSNP rs374749572, ClinGen allele CA2593392.